The following is an entry in ClinVar:

NM_004304.5(ALK):c.4584C>G (p.His1528Gln)

Gene: ALK (ALK receptor tyrosine kinase; minus strand). Cytogenetic location: 2p23.2.
Variant type: single nucleotide variant.
Coding change: c.4584C>G on transcript NM_004304.5 (MANE Select); coding-DNA position 4584, C replaced by G.
Protein change: p.His1528Gln; replaces histidine 1528 with glutamine.
Molecular consequence: missense variant.
Genome position (GRCh38, 1-based): chr2:29,193,503, G>C on the plus strand (C>G on the coding strand, the complement: ALK is on the minus strand). VCF-style: chr2-29193503-G-C. GRCh37 (hg19) VCF-style: chr2-29416369-G-C.
Other names: c.1380C>G, p.His460Gln (NM_001353765.2); short protein forms H460Q, H1528Q.
Identifiers: ClinVar variation 1443868 (VCV001443868.8), dbSNP rs746470148, ClinGen allele CA346460678.
Genomic context (GRCh38, chr2:29,193,503, plus strand): 5'-CCCAGTTGCAACGTTAGGTGGGACAGTACAGCTTCCCTCCAGCCCCAGGTTACCCCTGTC[G>C]TGTGGCTCCTTCTTTGCTATAGGATTATTCTTTTTGGTGGGTTTCTCTGTAAACCAGGAG-3'
Protein context (NP_004295.2, residues 1518-1538): KNNPIAKKEP[His1528Gln]DRGNLGLEGS

ClinVar aggregate classification (germline): Uncertain significance (1 of 4 stars; one submission).

Conditions:
Neuroblastoma, susceptibility to, 3. Also called: ALK-Related Neuroblastic Tumor Susceptibility. Identifiers: Orphanet 635, MedGen C2751681, MONDO:0013083, OMIM 613014.

gnomAD v4.1: 1 of 1,614,170 alleles (0.000062%); highest among the groups gnomAD compares: Non-Finnish European, 0.000085%; no homozygotes.

Submission:

Labcorp Genetics (formerly Invitae), Labcorp
Classification: Uncertain significance for Neuroblastoma, susceptibility to, 3. Last evaluated: 2020-12-15. Review status: criteria provided, single submitter. Criteria: Invitae Variant Classification Sherloc (09022015). Collection method: clinical testing. Allele origin: germline.
Comment: In summary, the available evidence is currently insufficient to determine the role of this variant in disease. Therefore, it has been classified as a Variant of Uncertain Significance. Algorithms developed to predict the effect of missense changes on protein structure and function output the following: SIFT: "Tolerated"; PolyPhen-2: "Benign"; Align-GVGD: "Class C0". The glutamine amino acid residue is found in multiple mammalian species, suggesting that this missense change does not adversely affect protein function. These predictions have not been confirmed by published functional studies and their clinical significance is uncertain. This variant has not been reported in the literature in individuals with ALK-related conditions. This variant is not present in population databases (ExAC no frequency). This sequence change replaces histidine with glutamine at codon 1528 of the ALK protein (p.His1528Gln). The histidine residue is weakly conserved and there is a small physicochemical difference between histidine and glutamine.